The following is an entry in ClinVar:

NM_000135.4(FANCA):c.3602AAG[1] (p.Glu1202del)

Gene: FANCA (FA complementation group A; minus strand). Cytogenetic location: 16q24.3.
Variant type: Microsatellite.
Coding change: c.3602AAG[1] on transcript NM_000135.4 (MANE Select); one copy of the 3-base unit AAG starting at c.3602; the reference has two copies in a row; one copy, 3 bases deleted; also written c.3605_3607del.
Protein change: p.Glu1202del; deletes glutamic acid 1202.
Molecular consequence: inframe deletion.
Genome position (GRCh38, 1-based): chr16:89,744,978-89,744,980, CTT deleted on the plus strand (AAG on the coding strand, the reverse complement: FANCA is on the minus strand); deleting any 3 consecutive bases within chr16:89,744,978-89,744,983 gives the same sequence; the position shown is the placement nearest the transcript's 3' end. VCF-style (leftmost placement, unchanged base first): chr16-89744977-CCTT-C. GRCh37 (hg19) VCF-style: chr16-89811385-CCTT-C.
Other names: c.3602AAG[1], p.Glu1202del (NM_001286167.3); c.3605_3607del (NM_000135.4, NM_000135.2); short protein forms E1202del.
Identifiers: ClinVar variation 526377 (VCV000526377.20), dbSNP rs1380850249, ClinGen allele CA658798659.
Genomic context (GRCh38, chr16:89,744,977, plus strand): 5'-TGCATCTGGGCGGGCACACCCCATCTCACCACCCACACGTACTCGCTGGCAAACTGCCGG[CCTT>C]CTTGTAGCTTCTGCAGTTCCCGGGGCAGCGGGCTCTGGCAGTGTCTCCTCCACCGGCAGA-3'

ClinVar aggregate classification (germline): Likely pathogenic. Review status: criteria provided, multiple submitters, no conflicts (2 of 4 stars). 8 submissions from 8 submitters: Likely pathogenic (5). 3 of the submissions do not count toward it. Last evaluated 2024-10-09.

Conditions:
FANCA-related disorders.
Fanconi anemia complementation group A (FANCA). Also called: Fanconi anemia, group A; FANCA-Related Fanconi Anemia. Identifiers: Orphanet 84, MedGen C3469521, MONDO:0009215, OMIM 227650.
Fanconi anemia (FA). Also called: Fanconi's anemia. Identifiers: Orphanet 84, MedGen C0015625, MeSH D005199, MONDO:0019391.

Submissions (8):

Victorian Clinical Genetics Services, Murdoch Childrens Research Institute
Classification: Likely pathogenic for Fanconi anemia complementation group A. Last evaluated: 2024-10-09. Review status: criteria provided, single submitter. Criteria: ACMG Guidelines, 2015. Collection method: clinical testing. Allele origin: germline. Inheritance: Autosomal recessive inheritance. Affected: yes.
Comment: Based on the classification scheme VCGS_Germline_v1.3.4, this variant is classified as Likely pathogenic. Following criteria are met: 0102 - Loss of function is a known mechanism of disease in this gene and is associated with Fanconi anemia, complementation group A (MIM#227650). (I) 0106 - This gene is associated with autosomal recessive disease. (I) 0216 - In-frame insertion/deletion in a non-repetitive region that has low conservation. (SP) 0251 - This variant is heterozygous. (I) 0301 - Variant is absent from gnomAD (both v2 and v3). (SP) 0604 - Variant is not located in an established domain, motif, hotspot or informative constraint region. (I) 0705 - No comparable in-frame deletion variants have previous evidence for pathogenicity. (I) 0802 - This variant has moderate previous evidence of pathogenicity in unrelated individuals. It has been reported in at least two compound heterozygous individuals with Fanconi Anaemia (PMID: 17924555, 29098742). It has also been classified as pathogenic by diagnostic laboratories in ClinVar. (SP) 0905 - No published segregation evidence has been identified for this variant. (I) 1007 - No published functional evidence has been identified for this variant. (I) 1208 - Inheritance information for this variant is not currently available in this individual. (I) Legend: (SP) - Supporting pathogenic, (I) - Information, (SB) - Supporting benign

Baylor Genetics
Classification: Likely pathogenic for Fanconi anemia complementation group A. Last evaluated: 2024-03-27. Review status: criteria provided, single submitter. Criteria: ACMG Guidelines, 2015. Collection method: clinical testing. Allele origin: unknown.

Fulgent Genetics
Classification: Likely pathogenic for Fanconi anemia complementation group A. Last evaluated: 2024-01-29. Review status: criteria provided, single submitter. Criteria: ACMG Guidelines, 2015. Collection method: clinical testing. Allele origin: germline.

Labcorp Genetics (formerly Invitae), Labcorp
Classification: Likely pathogenic for Fanconi anemia. Last evaluated: 2023-03-04. Review status: criteria provided, single submitter. Criteria: Invitae Variant Classification Sherloc (09022015). Collection method: clinical testing. Allele origin: germline.
Comment: This variant, c.3605_3607del, results in the deletion of 1 amino acid(s) of the FANCA protein (p.Glu1202del), but otherwise preserves the integrity of the reading frame. This variant is not present in population databases (gnomAD no frequency). This variant has been observed in individual(s) with Fanconi anemia (PMID: 17924555, 29098742). In at least one individual the data is consistent with being in trans (on the opposite chromosome) from a pathogenic variant. This variant is also known as c.3602_3604del. ClinVar contains an entry for this variant (Variation ID: 526377). Experimental studies and prediction algorithms are not available or were not evaluated, and the functional significance of this variant is currently unknown. In summary, the currently available evidence indicates that the variant is pathogenic, but additional data are needed to prove that conclusively. Therefore, this variant has been classified as Likely Pathogenic.

Blueprint Genetics
Classification: Likely pathogenic for FANCA-related disorders. Last evaluated: 2021-04-19. Review status: criteria provided, single submitter. Criteria: ACMG Guidelines, 2015. Collection method: clinical testing. Allele origin: germline. Affected: yes. Observed: 2 variant alleles.

Natera, Inc.
Classification: Likely pathogenic for Fanconi anemia. Last evaluated: 2020-12-21. Review status: no assertion criteria provided. Collection method: clinical testing. Allele origin: germline. Not counted in ClinVar's aggregate classification.

Leiden Open Variation Database
Classification: Pathogenic for Fanconi anemia complementation group A. Last evaluated: 2020-02-28. Review status: no assertion criteria provided. Collection method: curation. Allele origin: germline. Affected: yes. Not counted in ClinVar's aggregate classification.
Comment: Curator: Arleen D. Auerbach. Submitter to LOVD: Johan de Winter.

Counsyl
Classification: Uncertain significance for Fanconi anemia complementation group A. Last evaluated: 2017-12-18. Review status: no assertion criteria provided. Collection method: clinical testing. Allele origin: unknown. Not counted in ClinVar's aggregate classification.

Literature cited by the submitters: PubMed 17924555 (cited by 4 submitters); PubMed 29098742 (cited by 3 submitters).